The following is an entry in ClinVar:

ClinVar aggregate classification (germline): Uncertain significance (1 of 4 stars; one submission).

gnomAD v4.1: 1 of 1,614,236 alleles (0.000062%); highest among the groups gnomAD compares: Non-Finnish European, 0.000085%; no homozygotes.

Submission:

GeneDx
Classification: Uncertain significance. Last evaluated: 2025-12-15. Review status: criteria provided, single submitter. Criteria: GeneDx Variant Classification Process June 2021. Collection method: clinical testing. Allele origin: germline.
Comment: Not observed at significant frequency in large population cohorts (gnomAD); In silico analysis supports that this missense variant has a deleterious effect on protein structure/function; Has not been previously published as pathogenic or benign to our knowledge

NM_000890.5(KCNJ5):c.360T>G (p.His120Gln)

Gene: KCNJ5 (potassium inwardly rectifying channel subfamily J member 5; plus strand). Cytogenetic location: 11q24.3.
Variant type: single nucleotide variant.
Coding change: c.360T>G on transcript NM_000890.5 (MANE Select); coding-DNA position 360, T replaced by G.
Protein change: p.His120Gln; replaces histidine 120 with glutamine.
Molecular consequence: missense variant.
Genome position (GRCh38, 1-based): chr11:128,911,633, T>G. VCF-style: chr11-128911633-T-G. GRCh37 (hg19) VCF-style: chr11-128781528-T-G.
Other names: c.360T>G, p.His120Gln (NM_001354169.2); short protein forms H120Q.
Identifiers: ClinVar variation 4082922 (VCV004082922.2).